The following is an entry in ClinVar:

NM_001197104.2(KMT2A):c.2600G>A (p.Ser867Asn)

Gene: KMT2A (lysine methyltransferase 2A; plus strand). Cytogenetic location: 11q23.3.
Variant type: single nucleotide variant.
Coding change: c.2600G>A on transcript NM_001197104.2 (MANE Select); coding-DNA position 2600, G replaced by A.
Protein change: p.Ser867Asn; replaces serine 867 with asparagine.
Molecular consequence: missense variant.
Genome position (GRCh38, 1-based): chr11:118,473,759, G>A. VCF-style: chr11-118473759-G-A. GRCh37 (hg19) VCF-style: chr11-118344474-G-A.
Other names: c.2600G>A, p.Ser867Asn (NM_005933.4); short protein forms S867N.
Identifiers: ClinVar variation 1400455 (VCV001400455.10), dbSNP rs782215946, ClinGen allele CA6303531.

ClinVar aggregate classification (germline): Uncertain significance. Review status: criteria provided, multiple submitters, no conflicts (2 of 4 stars). 3 submissions from 3 submitters: Uncertain significance (3). Last evaluated 2025-02-19.

Conditions:
Wiedemann-Steiner syndrome (WDSTS). Also called: Growth deficiency and mental retardation with facial dysmorphism. Identifiers: Orphanet 319182, MedGen C1854630, MONDO:0011518, OMIM 605130.

Allele frequency attached by ClinVar (database versions not stated): gnomAD 0.00002 and 0.00003; TOPMed 0.00002.
gnomAD v4.1: 16 of 1,613,844 alleles (0.00099%); highest among the groups gnomAD compares: Admixed American, 0.0083%; no homozygotes.

Submissions (3):

Labcorp Genetics (formerly Invitae), Labcorp
Classification: Uncertain significance. Last evaluated: 2025-02-19. Review status: criteria provided, single submitter. Criteria: Invitae Variant Classification Sherloc (09022015). Collection method: clinical testing. Allele origin: germline.
Comment: This sequence change replaces serine, which is neutral and polar, with asparagine, which is neutral and polar, at codon 867 of the KMT2A protein (p.Ser867Asn). This variant is present in population databases (rs782215946, gnomAD 0.003%). This variant has not been reported in the literature in individuals affected with KMT2A-related conditions. ClinVar contains an entry for this variant (Variation ID: 1400455). Invitae Evidence Modeling of protein sequence and biophysical properties (such as structural, functional, and spatial information, amino acid conservation, physicochemical variation, residue mobility, and thermodynamic stability) indicates that this missense variant is not expected to disrupt KMT2A protein function with a negative predictive value of 95%. In summary, the available evidence is currently insufficient to determine the role of this variant in disease. Therefore, it has been classified as a Variant of Uncertain Significance.

Fulgent Genetics
Classification: Uncertain significance for Wiedemann-Steiner syndrome. Last evaluated: 2022-04-29. Review status: criteria provided, single submitter. Criteria: ACMG Guidelines, 2015. Collection method: clinical testing. Allele origin: unknown.

Laboratorio de Genetica e Diagnostico Molecular, Hospital Israelita Albert Einstein
Classification: Uncertain significance. Last evaluated: 2020-10-13. Review status: criteria provided, single submitter. Criteria: ACMG Guidelines, 2015. Collection method: clinical testing. Allele origin: germline. Affected: yes.
Comment: ACMG classification criteria: BP4